The following is an entry in ClinVar:

ClinVar aggregate classification (germline): Uncertain significance (1 of 4 stars; one submission).

gnomAD v4.1: 1 of 1,544,590 alleles (0.000065%); highest among the groups gnomAD compares: Non-Finnish European, 0.000087%; no homozygotes.

Submission:

Labcorp Genetics (formerly Invitae), Labcorp
Classification: Uncertain significance. Last evaluated: 2022-07-11. Review status: criteria provided, single submitter. Criteria: Invitae Variant Classification Sherloc (09022015). Collection method: clinical testing. Allele origin: germline.
Comment: In summary, the available evidence is currently insufficient to determine the role of this variant in disease. Therefore, it has been classified as a Variant of Uncertain Significance. Algorithms developed to predict the effect of missense changes on protein structure and function are either unavailable or do not agree on the potential impact of this missense change (SIFT: "Not Available"; PolyPhen-2: "Probably Damaging"; Align-GVGD: "Not Available"). This variant has not been reported in the literature in individuals affected with CFD-related conditions. This variant is not present in population databases (gnomAD no frequency). This sequence change replaces tryptophan, which is neutral and slightly polar, with leucine, which is neutral and non-polar, at codon 247 of the CFD protein (p.Trp247Leu).

NM_001928.4(CFD):c.740G>T (p.Trp247Leu)

Gene: CFD (complement factor D; plus strand). Cytogenetic location: 19p13.3.
Variant type: single nucleotide variant.
Coding change: c.740G>T on transcript NM_001928.4 (MANE Select); coding-DNA position 740, G replaced by T.
Protein change: p.Trp247Leu; replaces tryptophan 247 with leucine.
Molecular consequence: missense variant.
Genome position (GRCh38, 1-based): chr19:863,216, G>T. VCF-style: chr19-863216-G-T. GRCh37 (hg19) VCF-style: chr19-863216-G-T.
Other names: c.761G>T, p.Trp254Leu (NM_001317335.2); short protein forms W254L, W247L.
Identifiers: ClinVar variation 2060850 (VCV002060850.4), dbSNP rs1165648866, ClinGen allele CA402924054.